The following is an entry in ClinVar:

NM_001145860.2(POP1):c.513dup (p.Glu172fs)

Gene: POP1 (POP1 ribonuclease P/MRP subunit; plus strand). Cytogenetic location: 8q22.2.
Variant type: Duplication.
Coding change: c.513dup on transcript NM_001145860.2 (MANE Select); coding-DNA position 513, one base duplicated (A; older notation c.513dupA).
Protein change: p.Glu172fs; shifts the reading frame from glutamic acid 172.
Molecular consequence: frameshift variant.
Genome position (GRCh38, 1-based): chr8:98,130,004, A duplicated; the last of 6 consecutive A bases (chr8:98,129,999-98,130,004); duplicating any one gives the same sequence. VCF-style (leftmost placement, unchanged base first): chr8-98129998-G-GA. GRCh37 (hg19) VCF-style: chr8-99142226-G-GA.
Other names: c.513dup, p.Glu172fs (NM_001145861.2, NM_015029.3); short protein forms E172fs.
Identifiers: ClinVar variation 4734776 (VCV004734776.1).

ClinVar aggregate classification (germline): Pathogenic (1 of 4 stars; one submission).

Submission:

Labcorp Genetics (formerly Invitae), Labcorp
Classification: Pathogenic. Last evaluated: 2026-01-06. Review status: criteria provided, single submitter. Criteria: Invitae Variant Classification Sherloc (09022015). Collection method: clinical testing. Allele origin: germline.
Comment: This sequence change creates a premature translational stop signal (p.Glu172Argfs*6) in the POP1 gene. It is expected to result in an absent or disrupted protein product. Loss-of-function variants in POP1 are known to be pathogenic (PMID: 21455487). This variant is not present in population databases (gnomAD no frequency). This variant has not been reported in the literature in individuals affected with POP1-related conditions. For these reasons, this variant has been classified as Pathogenic.

Literature cited by the submitters: PubMed 21455487.